The following is an entry in ClinVar:

NM_000218.3(KCNQ1):c.1394-12841T>A

Genes: KCNQ1 (potassium voltage-gated channel subfamily Q member 1; plus strand), KCNQ1OT1 (KCNQ1 opposite strand/antisense transcript 1; minus strand). Cytogenetic location: 11p15.5.
Variant type: single nucleotide variant.
Coding change: c.1394-12841T>A on transcript NM_000218.3 (MANE Select); 12841 bases into the intron before coding-DNA position 1394, T replaced by A.
Molecular consequence: intron variant. On other transcripts: non-coding transcript variant (1).
Genome position (GRCh38, 1-based): chr11:2,649,120, T>A. VCF-style: chr11-2649120-T-A. GRCh37 (hg19) VCF-style: chr11-2670350-T-A.
Other names: c.1124-12841T>A (NM_001406837.1); c.1298-12841T>A (NM_001406836.1); c.854-12841T>A (NM_001406838.1); c.1013-12841T>A (NM_181798.2).
Identifiers: ClinVar variation 4987217 (VCV004987217.1).

ClinVar aggregate classification (germline): Likely benign (1 of 4 stars; one submission).

Conditions:
KCNQ1-related disorder. Also called: KCNQ1-related disorders; KCNQ1-related condition. Identifiers: MedGen CN239322.

gnomAD v4.1: 94 of 398,188 alleles (0.024%); highest among the groups gnomAD compares: African/African-American, 0.18%; no homozygotes.

Submission:

PreventionGenetics, part of Exact Sciences
Classification: Likely benign for KCNQ1-related condition. Last evaluated: 2026-05-15. Review status: criteria provided, single submitter. Criteria: ACMG Guidelines, 2015. Collection method: clinical testing. Allele origin: germline.
Comment: This variant is classified as likely benign based on ACMG/AMP sequence variant interpretation guidelines (Richards et al. 2015 PMID: 25741868, with internal and published modifications).